The following is an entry in ClinVar:

ClinVar aggregate classification (germline): Uncertain significance (1 of 4 stars; one submission).

Conditions:
Hereditary cancer-predisposing syndrome. Also called: Tumor predisposition; Hereditary neoplastic syndrome; Hereditary Cancer Syndrome; Neoplastic Syndromes, Hereditary. Identifiers: Orphanet 140162, MedGen C0027672, MeSH D009386, MONDO:0015356.

Submission:

Color Diagnostics, LLC DBA Color Health
Classification: Uncertain significance for Hereditary cancer-predisposing syndrome. Last evaluated: 2020-09-04. Review status: criteria provided, single submitter. Criteria: ACMG Guidelines, 2015. Collection method: clinical testing. Allele origin: germline.
Comment: This missense variant replaces glycine with aspartic acid at codon 400 of the APC protein. Computational prediction suggests that this variant may not impact protein structure and function (internally defined REVEL score threshold <= 0.5, PMID: 27666373). To our knowledge, functional studies have not been reported for this variant. This variant has not been reported in individuals affected with hereditary cancer in the literature. This variant has not been identified in the general population by the Genome Aggregation Database (gnomAD). The available evidence is insufficient to determine the role of this variant in disease conclusively. Therefore, this variant is classified as a Variant of Uncertain Significance.

NM_000038.6(APC):c.1199G>A (p.Gly400Asp)

Gene: APC (APC regulator of Wnt signaling pathway; plus strand). Cytogenetic location: 5q22.2.
Variant type: single nucleotide variant.
Coding change: c.1199G>A on transcript NM_000038.6 (MANE Select); coding-DNA position 1199, G replaced by A.
Protein change: p.Gly400Asp; replaces glycine 400 with aspartic acid.
Molecular consequence: missense variant. On other transcripts: intron variant (4).
Genome position (GRCh38, 1-based): chr5:112,819,231, G>A. VCF-style: chr5-112819231-G-A. GRCh37 (hg19) VCF-style: chr5-112154928-G-A.
Other names: c.1199G>A, p.Gly400Asp (NM_001127510.3, NM_001354895.2, NM_001354896.2); c.1145G>A, p.Gly382Asp (NM_001127511.3); c.1229G>A, p.Gly410Asp (NM_001354897.2); c.1124G>A, p.Gly375Asp (NM_001354898.2); c.1115G>A, p.Gly372Asp (NM_001354899.2); c.1022G>A, p.Gly341Asp (NM_001354900.2, NM_001354901.2); c.350G>A, p.Gly117Asp (NM_001354906.2); c.964-38G>A (NM_001354902.2); and 3 more; short protein forms G117D, G341D, G372D, G375D, G382D, G400D, G410D.
Identifiers: ClinVar variation 1172011 (VCV001172011.2), dbSNP rs2149782422, ClinGen allele CA16023931.